The following is an entry in ClinVar:

ClinVar aggregate classification (germline): Uncertain significance (1 of 4 stars; one submission).

Allele frequency attached by ClinVar (database versions not stated): gnomAD exomes below 0.00001; gnomAD 0.00001; TOPMed 0.00004; ESP Exome Variant Server 0.00008.

Submission:

GeneDx
Classification: Uncertain significance. Last evaluated: 2023-03-28. Review status: criteria provided, single submitter. Criteria: GeneDx Variant Classification Process June 2021. Collection method: clinical testing. Allele origin: germline. Affected: yes.
Comment: Not observed at significant frequency in large population cohorts (gnomAD); In silico analysis supports that this missense variant has a deleterious effect on protein structure/function; Has not been previously published as pathogenic or benign to our knowledge

NM_152268.4(PARS2):c.1021G>A (p.Gly341Ser)

Gene: PARS2 (prolyl-tRNA synthetase 2, mitochondrial; minus strand). Cytogenetic location: 1p32.3.
Variant type: single nucleotide variant.
Coding change: c.1021G>A on transcript NM_152268.4 (MANE Select); coding-DNA position 1021, G replaced by A.
Protein change: p.Gly341Ser; replaces glycine 341 with serine.
Molecular consequence: missense variant.
Genome position (GRCh38, 1-based): chr1:54,758,141, C>T on the plus strand (G>A on the coding strand, the complement: PARS2 is on the minus strand). VCF-style: chr1-54758141-C-T. GRCh37 (hg19) VCF-style: chr1-55223814-C-T.
Other names: short protein forms G341S.
Identifiers: ClinVar variation 2582051 (VCV002582051.1), dbSNP rs149226469, ClinGen allele CA22742697.